The following is an entry in ClinVar:

NM_021252.5(RAB18):c.*278A>T

Gene: RAB18 (RAB18, member RAS oncogene family; plus strand). Cytogenetic location: 10p12.1.
Variant type: single nucleotide variant.
Coding change: c.*278A>T on transcript NM_021252.5 (MANE Select); 278 bases downstream of the stop codon, A replaced by T.
Molecular consequence: 3 prime UTR variant. On other transcripts: non-coding transcript variant (1).
Genome position (GRCh38, 1-based): chr10:27,538,329, A>T. VCF-style: chr10-27538329-A-T. GRCh37 (hg19) VCF-style: chr10-27827258-A-T.
Other names: c.*278A>T (NM_001256410.2, NM_001256412.2); c.*238A>T (NM_001256411.2).
Identifiers: ClinVar variation 299826 (VCV000299826.7), dbSNP rs41282848, ClinGen allele CA5452461.

ClinVar aggregate classification (germline): Benign/Likely benign. Review status: criteria provided, multiple submitters, no conflicts (2 of 4 stars). 2 submissions from 2 submitters: Benign (1); Likely benign (1). Last evaluated 2018-06-14.

Conditions:
Warburg micro syndrome 3 (WARBM3). Also called: MICRO SYNDROME 3. Identifiers: Orphanet 2510, MedGen C3280203, MONDO:0013638, OMIM 614222.

Allele frequency attached by ClinVar (database versions not stated): 1000 Genomes Project 30x 0.00484; 1000 Genomes Project 0.00519; gnomAD 0.00905; TOPMed 0.00927; ExAC 0.00997.
gnomAD v4.1: 5,915 of 540,806 alleles (1.1%); highest among the groups gnomAD compares: Non-Finnish European, 1.5%; 49 homozygotes.

Submissions (2):

GeneDx
Classification: Likely benign. Last evaluated: 2018-06-14. Review status: criteria provided, single submitter. Criteria: GeneDx Variant Classification Process June 2021. Collection method: clinical testing. Allele origin: germline. Affected: yes.

Illumina Laboratory Services, Illumina
Classification: Benign for Warburg micro syndrome 3. Last evaluated: 2018-01-13. Review status: criteria provided, single submitter. Criteria: ICSL Variant Classification Criteria 13 December 2019. Collection method: clinical testing. Allele origin: germline.
Comment: This variant was observed in the ICSL laboratory as part of a predisposition screen in an ostensibly healthy population. It had not been previously curated by ICSL or reported in the Human Gene Mutation Database (HGMD: prior to June 1st, 2018), and was therefore a candidate for classification through an automated scoring system. Utilizing variant allele frequency, disease prevalence and penetrance estimates, and inheritance mode, an automated score was calculated to assess if this variant is too frequent to cause the disease. Based on the score and internal cut-off values, a variant classified as benign is not then subjected to further curation. The score for this variant resulted in a classification of benign for this disease.